The following is an entry in ClinVar:

NM_001005273.3(CHD3):c.3805G>C (p.Asp1269His)

Gene: CHD3 (chromodomain helicase DNA binding protein 3; plus strand). Cytogenetic location: 17p13.1.
Variant type: single nucleotide variant.
Coding change: c.3805G>C on transcript NM_001005273.3 (MANE Select); coding-DNA position 3805, G replaced by C.
Protein change: p.Asp1269His; replaces aspartic acid 1269 with histidine.
Molecular consequence: missense variant.
Genome position (GRCh38, 1-based): chr17:7,903,902, G>C. VCF-style: chr17-7903902-G-C. GRCh37 (hg19) VCF-style: chr17-7807220-G-C.
Other names: c.3982G>C, p.Asp1328His (NM_001005271.3); c.3805G>C, p.Asp1269His (NM_005852.4); short protein forms D1269H, D1328H.
Identifiers: ClinVar variation 3054905 (VCV003054905.3), dbSNP rs1475696040, ClinGen allele CA397943610.
Genomic context (GRCh38, chr17:7,903,902, plus strand): 5'-GACAGCAGTGTGATTCATTATGACAATGAGGCCATCGCTCGGCTGTTGGACCGGAACCAG[G>C]ATGCAACTGAGGACACTGACGTGCAGAACATGAATGAGTATCTCAGCTCCTTCAAGGTGG-3'
Protein context (NP_001005273.1, residues 1259-1279): AIARLLDRNQ[Asp1269His]ATEDTDVQNM

ClinVar aggregate classification (germline): Uncertain significance. Review status: criteria provided, single submitter (1 of 4 stars). 2 submissions from 2 submitters: Uncertain significance (1). 1 of the submissions does not count toward it. Last evaluated 2024-02-02.

Conditions:
CHD3-related disorder. Also called: CHD3-related condition.

Submissions (2):

GeneDx
Classification: Uncertain significance. Last evaluated: 2024-02-02. Review status: criteria provided, single submitter. Criteria: GeneDx Variant Classification Process June 2021. Collection method: clinical testing. Allele origin: germline. Affected: yes.
Comment: Not observed at significant frequency in large population cohorts (gnomAD); In silico analysis supports that this missense variant has a deleterious effect on protein structure/function; Has not been previously published as pathogenic or benign to our knowledge

PreventionGenetics, part of Exact Sciences
Classification: Uncertain significance for CHD3-related condition. Last evaluated: 2023-10-25. Review status: no assertion criteria provided. Collection method: clinical testing. Allele origin: germline. Not counted in ClinVar's aggregate classification.
Comment: The CHD3 c.3982G>C variant is predicted to result in the amino acid substitution p.Asp1328His. To our knowledge, this variant has not been reported in the literature or in a large population database, indicating this variant is rare. At this time, the clinical significance of this variant is uncertain due to the absence of conclusive functional and genetic evidence.